The following is an entry in ClinVar:

NM_181078.3(IL21R):c.10G>A (p.Gly4Ser)

Gene: IL21R (interleukin 21 receptor; plus strand). Cytogenetic location: 16p12.1.
Variant type: single nucleotide variant.
Coding change: c.10G>A on transcript NM_181078.3 (MANE Select); coding-DNA position 10, G replaced by A.
Protein change: p.Gly4Ser; replaces glycine 4 with serine.
Molecular consequence: missense variant.
Genome position (GRCh38, 1-based): chr16:27,430,081, G>A. VCF-style: chr16-27430081-G-A. GRCh37 (hg19) VCF-style: chr16-27441402-G-A.
Other names: c.10G>A, p.Gly4Ser (NM_021798.4); c.76G>A, p.Gly26Ser (NM_181079.5); short protein forms G26S, G4S.
Identifiers: ClinVar variation 2135393 (VCV002135393.4), dbSNP rs1358493581, ClinGen allele CA395297200.

ClinVar aggregate classification (germline): Uncertain significance (1 of 4 stars; one submission).

Conditions:
Cryptosporidiosis-chronic cholangitis-liver disease syndrome. Also called: IL21R immunodeficiency; Immunodeficiency type 56. Identifiers: Orphanet 357329, MedGen C3554687, MONDO:0014082, OMIM 615207.

Allele frequency attached by ClinVar (database versions not stated): TOPMed below 0.00001.

Submission:

Labcorp Genetics (formerly Invitae), Labcorp
Classification: Uncertain significance for Cryptosporidiosis-chronic cholangitis-liver disease syndrome. Last evaluated: 2022-05-08. Review status: criteria provided, single submitter. Criteria: Invitae Variant Classification Sherloc (09022015). Collection method: clinical testing. Allele origin: germline.
Comment: This sequence change replaces glycine, which is neutral and non-polar, with serine, which is neutral and polar, at codon 4 of the IL21R protein (p.Gly4Ser). This variant is not present in population databases (gnomAD no frequency). This variant has not been reported in the literature in individuals affected with IL21R-related conditions. Algorithms developed to predict the effect of missense changes on protein structure and function are either unavailable or do not agree on the potential impact of this missense change (SIFT: "Tolerated"; PolyPhen-2: "Possibly Damaging"; Align-GVGD: "Class C0"). In summary, the available evidence is currently insufficient to determine the role of this variant in disease. Therefore, it has been classified as a Variant of Uncertain Significance.